The following is an entry in ClinVar:

ClinVar aggregate classification (germline): Uncertain significance (1 of 4 stars; one submission).

Submission:

GeneDx
Classification: Uncertain significance. Last evaluated: 2023-08-01. Review status: criteria provided, single submitter. Criteria: GeneDx Variant Classification Process June 2021. Collection method: clinical testing. Allele origin: germline. Affected: yes.
Comment: Not observed at significant frequency in large population cohorts (gnomAD); In silico analysis supports that this missense variant has a deleterious effect on protein structure/function; Has not been previously published as pathogenic or benign to our knowledge

NM_001134831.2(AHI1):c.1429G>C (p.Ala477Pro)

Gene: AHI1 (Abelson helper integration site 1; minus strand). Cytogenetic location: 6q23.3.
Variant type: single nucleotide variant.
Coding change: c.1429G>C on transcript NM_001134831.2 (MANE Select); coding-DNA position 1429, G replaced by C.
Protein change: p.Ala477Pro; replaces alanine 477 with proline.
Molecular consequence: missense variant.
Genome position (GRCh38, 1-based): chr6:135,453,352, C>G on the plus strand (G>C on the coding strand, the complement: AHI1 is on the minus strand). VCF-style: chr6-135453352-C-G. GRCh37 (hg19) VCF-style: chr6-135774490-C-G.
Other names: c.1429G>C, p.Ala477Pro (NM_001134830.2, NM_001134832.2, NM_001350503.2 and 2 more transcripts); short protein forms A477P.
Identifiers: ClinVar variation 3361668 (VCV003361668.1).